The following is an entry in ClinVar:

NM_001009944.3(PKD1):c.5645C>T (p.Thr1882Met)

Gene: PKD1 (polycystin 1, transient receptor potential channel interacting; minus strand). Cytogenetic location: 16p13.3.
Variant type: single nucleotide variant.
Coding change: c.5645C>T on transcript NM_001009944.3 (MANE Select); coding-DNA position 5645, C replaced by T.
Protein change: p.Thr1882Met; replaces threonine 1882 with methionine.
Molecular consequence: missense variant.
Genome position (GRCh38, 1-based): chr16:2,109,522, G>A on the plus strand (C>T on the coding strand, the complement: PKD1 is on the minus strand). VCF-style: chr16-2109522-G-A. GRCh37 (hg19) VCF-style: chr16-2159523-G-A.
Other names: c.5645C>T, p.Thr1882Met (NM_000296.4); short protein forms T1882M.
Identifiers: ClinVar variation 1304560 (VCV001304560.4), dbSNP rs772716160, ClinGen allele CA7831907.

ClinVar aggregate classification (germline): Uncertain significance. Review status: criteria provided, multiple submitters, no conflicts (2 of 4 stars). 2 submissions from 2 submitters: Uncertain significance (2). Last evaluated 2024-03-07.

Conditions:
Polycystic kidney disease, adult type (PKD1). Also called: Polycystic Kidney Disease 1, Autosomal Dominant; Polycystic kidney disease 1; Polycystic kidney disease 1, severe; POLYCYSTIC KIDNEY DISEASE 1 WITH OR WITHOUT POLYCYSTIC LIVER DISEASE; POLYCYSTIC KIDNEY DISEASE, ADULT, TYPE I; Polycystic Kidney, Autosomal Dominant. Identifiers: MedGen C3149841, MONDO:0008263, OMIM 173900.

Allele frequency attached by ClinVar (database versions not stated): gnomAD 0.00003; gnomAD exomes 0.00005 and 0.00006.
gnomAD v4.1: 79 of 1,610,650 alleles (0.0049%); highest among the groups gnomAD compares: East Asian, 0.025%; 1 homozygote.

Submissions (2):

Fulgent Genetics
Classification: Uncertain significance for Polycystic kidney disease, adult type. Last evaluated: 2024-03-07. Review status: criteria provided, single submitter. Criteria: ACMG Guidelines, 2015. Collection method: clinical testing. Allele origin: germline.

GeneDx
Classification: Uncertain significance. Last evaluated: 2019-04-23. Review status: criteria provided, single submitter. Criteria: GeneDx Variant Classification Process June 2021. Collection method: clinical testing. Allele origin: germline. Affected: yes.
Comment: Identified as a single variant in a patient with polycystic kidney disease (Fujimaru et al., 2018); In silico analysis, which includes protein predictors and evolutionary conservation, supports a deleterious effect; This variant is associated with the following publications: (PMID: 29520754)